The following is an entry in ClinVar:

ClinVar aggregate classification (germline): Likely benign. Review status: criteria provided, multiple submitters, no conflicts (2 of 4 stars). 5 submissions from 5 submitters: Likely benign (4). 1 of the submissions does not count toward it. Last evaluated 2025-12-08.

Conditions:
RAI1-related disorder. Also called: RAI1-related condition.
Inborn genetic diseases. Identifiers: MedGen C0950123, MeSH D030342.

Allele frequency attached by ClinVar (database versions not stated): TOPMed 0.00009; gnomAD exomes 0.00004 and 0.00007; gnomAD 0.00007 and 0.00006; ExAC 0.00008.
gnomAD v4.1: 76 of 1,610,250 alleles (0.0047%); highest among the groups gnomAD compares: Admixed American, 0.0084%; no homozygotes.

Submissions (5):

Labcorp Genetics (formerly Invitae), Labcorp
Classification: Likely benign. Last evaluated: 2025-12-08. Review status: criteria provided, single submitter. Criteria: Invitae Variant Classification Sherloc (09022015). Collection method: clinical testing. Allele origin: germline.

Dasa
Classification: Likely benign. Last evaluated: 2025-07-03. Review status: criteria provided, single submitter. Criteria: DASA Assertion Criteria. Collection method: clinical testing. Allele origin: germline.
Comment: NM_030665.4(RAI1):c.5449G>A (p.Gly1817Arg) is a missense variant that results in the substitution of glycine with arginine. Population frequency is inconsistent with a disease-causing role for this variant. Computational prediction algorithms are consistent with a benign effect. Therefore, based on the currently available evidence, this variant is classified as likely benign.

Ambry Genetics
Classification: Likely benign for Inborn genetic diseases. Last evaluated: 2025-04-30. Review status: criteria provided, single submitter. Criteria: Ambry Variant Classification Scheme 2023. Collection method: clinical testing. Allele origin: germline.

GeneDx
Classification: Likely benign. Last evaluated: 2021-06-10. Review status: criteria provided, single submitter. Criteria: GeneDx Variant Classification Process June 2021. Collection method: clinical testing. Allele origin: germline. Affected: yes.

PreventionGenetics, part of Exact Sciences
Classification: Likely benign for RAI1-related condition. Last evaluated: 2023-07-27. Review status: no assertion criteria provided. Collection method: clinical testing. Allele origin: germline. Not counted in ClinVar's aggregate classification.
Comment: This variant is classified as likely benign based on ACMG/AMP sequence variant interpretation guidelines (Richards et al. 2015 PMID: 25741868, with internal and published modifications).

NM_030665.4(RAI1):c.5449G>A (p.Gly1817Arg)

Gene: RAI1 (retinoic acid induced 1; plus strand). Cytogenetic location: 17p11.2.
Variant type: single nucleotide variant.
Coding change: c.5449G>A on transcript NM_030665.4 (MANE Select); coding-DNA position 5449, G replaced by A.
Protein change: p.Gly1817Arg; replaces glycine 1817 with arginine.
Molecular consequence: missense variant.
Genome position (GRCh38, 1-based): chr17:17,798,397, G>A. VCF-style: chr17-17798397-G-A. GRCh37 (hg19) VCF-style: chr17-17701711-G-A.
Other names: short protein forms G1817R.
Identifiers: ClinVar variation 1197393 (VCV001197393.15), dbSNP rs753042063, ClinGen allele CA8419164.